The following is an entry in ClinVar:

ClinVar aggregate classification (germline): Benign (1 of 4 stars; one submission).

Conditions:
Pheochromocytoma. Also called: MAX-Related Hereditary Paraganglioma-Pheochromocytoma Syndrome. Identifiers: Orphanet 29072, MedGen C0031511, MONDO:0008233, OMIM 171300, HP:0002666.

Allele frequency attached by ClinVar (database versions not stated): 1000 Genomes Project 0.00200; 1000 Genomes Project 30x 0.00234; TOPMed 0.00263.
gnomAD v4.1: 1,185 of 1,066,602 alleles (0.11%); highest among the groups gnomAD compares: African/African-American, 0.75%; 4 homozygotes.

Submission:

Illumina Laboratory Services, Illumina
Classification: Benign for Pheochromocytoma. Last evaluated: 2018-01-13. Review status: criteria provided, single submitter. Criteria: ICSL Variant Classification Criteria 13 December 2019. Collection method: clinical testing. Allele origin: germline.
Comment: This variant was observed in the ICSL laboratory as part of a predisposition screen in an ostensibly healthy population. It had not been previously curated by ICSL or reported in the Human Gene Mutation Database (HGMD: prior to June 1st, 2018), and was therefore a candidate for classification through an automated scoring system. Utilizing variant allele frequency, disease prevalence and penetrance estimates, and inheritance mode, an automated score was calculated to assess if this variant is too frequent to cause the disease. Based on the score and internal cut-off values, a variant classified as benign is not then subjected to further curation. The score for this variant resulted in a classification of benign for this disease.

NM_002382.5(MAX):c.*700G>T

Gene: MAX (MYC associated transcriptional regulator X; minus strand). Cytogenetic location: 14q23.3.
Variant type: single nucleotide variant.
Coding change: c.*700G>T on transcript NM_002382.5 (MANE Select); 700 bases downstream of the stop codon, G replaced by T.
Molecular consequence: 3 prime UTR variant. On other transcripts: intron variant (2).
Genome position (GRCh38, 1-based): chr14:65,075,776, C>A on the plus strand (G>T on the coding strand, the complement: MAX is on the minus strand). VCF-style: chr14-65075776-C-A. GRCh37 (hg19) VCF-style: chr14-65542494-C-A.
Other names: c.*700G>T (NM_001320415.2, NM_001407094.1, NM_001407095.1 and 7 more transcripts); c.*956G>T (NM_001407096.1, NM_001407099.1, NM_001407102.1 and 2 more transcripts); c.*972G>T (NM_001407097.1, NM_001407100.1, NM_001407101.1 and 4 more transcripts); c.144+17932G>T (NM_001271069.2); c.171+17932G>T (NM_197957.4).
Identifiers: ClinVar variation 880681 (VCV000880681.5), dbSNP rs139403325, ClinGen allele CA262716551.
Genomic context (GRCh38, chr14:65,075,776, plus strand): 5'-CCCCAAATGGCCACTCCCTGGTGGCTGCTGCTTCACTGCTGCCATCTCCCATACATACCA[C>A]GAGAGTGTCACACGGCCCTCCGTGAGGCTGGCGCCGCAGGCTTAAACAGCTGGCTGAGAG-3'